The following is an entry in ClinVar:

NM_001267550.2(TTN):c.46623del (p.Lys15542fs)

Genes: TTN-AS1 (TTN antisense RNA 1; plus strand), TTN (titin; minus strand). Cytogenetic location: 2q31.2.
Variant type: Deletion.
Coding change: c.46623del on transcript NM_001267550.2 (MANE Select); coding-DNA position 46623, one base deleted (T; older notation c.46623delT).
Protein change: p.Lys15542fs; shifts the reading frame from lysine 15542.
Molecular consequence: frameshift variant.
Genome position (GRCh38, 1-based): chr2:178,619,694, A deleted on the plus strand (T on the coding strand, the reverse complement: TTN is on the minus strand); the first of 2 consecutive A bases (chr2:178,619,694-178,619,695); deleting either gives the same sequence. VCF-style (leftmost placement, unchanged base first): chr2-178619693-TA-T. GRCh37 (hg19) VCF-style: chr2-179484420-TA-T.
Other names: c.41700del, p.Lys13901fs (NM_001256850.1); c.19428del, p.Lys6477fs (NM_003319.4); c.38919del, p.Lys12974fs (NM_133378.4); c.19803del, p.Lys6602fs (NM_133432.3); c.20004del, p.Lys6669fs (NM_133437.4); short protein forms K15542fs, K6602fs, K6477fs, K12974fs, K13901fs, K6669fs.
Identifiers: ClinVar variation 2933332 (VCV002933332.3), dbSNP rs2470970509, ClinGen allele CA2586970782.

ClinVar aggregate classification (germline): Likely pathogenic (1 of 4 stars; one submission).

Conditions:
Autosomal recessive limb-girdle muscular dystrophy type 2J (LGMDR10). Also called: Limb-girdle muscular dystrophy, type 2J; MUSCULAR DYSTROPHY, LIMB-GIRDLE, AUTOSOMAL RECESSIVE 10. Identifiers: Orphanet 140922, MedGen C1837342, MONDO:0012127, OMIM 608807.
Dilated cardiomyopathy 1G (CMD1G). Identifiers: Orphanet 154, MedGen C1858763, MONDO:0011400, OMIM 604145.

Submission:

Labcorp Genetics (formerly Invitae), Labcorp
Classification: Likely pathogenic for Dilated cardiomyopathy 1G; Autosomal recessive limb-girdle muscular dystrophy type 2J. Last evaluated: 2025-05-27. Review status: criteria provided, single submitter. Criteria: Invitae Variant Classification Sherloc (09022015). Collection method: clinical testing. Allele origin: germline.
Comment: This sequence change creates a premature translational stop signal (p.Lys15542Serfs*44) in the TTN gene. While this is not anticipated to result in nonsense mediated decay, it is expected to create a truncated TTN protein. This variant is not present in population databases (gnomAD no frequency). This premature translational stop signal has been observed in individual(s) with congenital myopathy (PMID: 31127727). This variant is also known as c.38919del; p.(Leu12974fs). ClinVar contains an entry for this variant (Variation ID: 2933332). This variant is located in the I band of TTN (PMID: 25589632). Truncating variants in this region have been reported in individuals affected with autosomal recessive centronuclear myopathy (PMID: 23975875, internal data). Truncating variants in this region have also been identified in individuals affected with autosomal dominant dilated cardiomyopathy and/or cardio-related conditions (PMID: 27869827, 32964742, internal data). In summary, the currently available evidence indicates that the variant is pathogenic, but additional data are needed to prove that conclusively. Therefore, this variant has been classified as Likely Pathogenic.

Literature cited by the submitters: PubMed 31127727; PubMed 25589632; PubMed 23975875; PubMed 27869827; PubMed 32964742.